The following is an entry in ClinVar:

ClinVar aggregate classification (germline): Uncertain significance (1 of 4 stars; one submission).

Conditions:
Hereditary cancer-predisposing syndrome. Also called: Hereditary Cancer Syndrome; Neoplastic Syndromes, Hereditary; Tumor predisposition; Hereditary neoplastic syndrome. Identifiers: Orphanet 140162, MedGen C0027672, MeSH D009386, MONDO:0015356.

Submission:

Ambry Genetics
Classification: Uncertain significance for Hereditary cancer-predisposing syndrome. Last evaluated: 2026-08-20. Review status: criteria provided, single submitter. Criteria: Ambry Variant Classification Scheme 2023. Collection method: clinical testing. Allele origin: germline.
Comment: The p.S1324Y variant (also known as c.3971C>A), located in coding exon 27 of the ALK gene, results from a C to A substitution at nucleotide position 3971. The serine at codon 1324 is replaced by tyrosine, an amino acid with dissimilar properties. This amino acid position is highly conserved in available vertebrate species. In addition, this alteration is predicted to be deleterious by in silico analysis. Based on the available evidence, the clinical significance of this variant remains unclear.

NM_004304.5(ALK):c.3971C>A (p.Ser1324Tyr)

Gene: ALK (ALK receptor tyrosine kinase; minus strand). Cytogenetic location: 2p23.2.
Variant type: single nucleotide variant.
Coding change: c.3971C>A on transcript NM_004304.5 (MANE Select); coding-DNA position 3971, C replaced by A.
Protein change: p.Ser1324Tyr; replaces serine 1324 with tyrosine.
Molecular consequence: missense variant.
Genome position (GRCh38, 1-based): chr2:29,197,644, G>T on the plus strand (C>A on the coding strand, the complement: ALK is on the minus strand). VCF-style: chr2-29197644-G-T. GRCh37 (hg19) VCF-style: chr2-29420510-G-T.
Other names: c.767C>A, p.Ser256Tyr (NM_001353765.2); short protein forms S256Y, S1324Y.
Identifiers: ClinVar variation 5035496 (VCV005035496.1).